The following is an entry in ClinVar:

ClinVar aggregate classification (germline): Pathogenic (1 of 4 stars; one submission).

Conditions:
Polycystic kidney disease, adult type (PKD1). Also called: POLYCYSTIC KIDNEY DISEASE 1 WITH OR WITHOUT POLYCYSTIC LIVER DISEASE; POLYCYSTIC KIDNEY DISEASE, ADULT, TYPE I; Polycystic Kidney Disease 1, Autosomal Dominant; Polycystic kidney disease 1; Polycystic kidney disease 1, severe; Polycystic Kidney, Autosomal Dominant. Identifiers: MedGen C3149841, MONDO:0008263, OMIM 173900.

Submission:

Women's Health and Genetics/Laboratory Corporation of America, LabCorp
Classification: Pathogenic for Polycystic kidney disease, adult type. Last evaluated: 2025-04-03. Review status: criteria provided, single submitter. Criteria: LabCorp Variant Classification Summary - May 2015. Collection method: clinical testing. Allele origin: germline.
Comment: Variant summary: PKD1 c.10066delA (p.Ser3356AlafsX41) results in a premature termination codon, predicted to cause a truncation of the encoded protein or absence of the protein due to nonsense mediated decay, which are commonly known mechanisms for disease. The variant was absent in 228534 control chromosomes. To our knowledge, no occurrence of c.10066delA in individuals affected with Polycystic Kidney Disease 1 and no experimental evidence demonstrating its impact on protein function have been reported. No submitters have cited clinical-significance assessments for this variant to ClinVar. Based on the evidence outlined above, the variant was classified as pathogenic.

NM_001009944.3(PKD1):c.10066del (p.Ser3356fs)

Gene: PKD1 (polycystin 1, transient receptor potential channel interacting; minus strand). Cytogenetic location: 16p13.3.
Variant type: Deletion.
Coding change: c.10066del on transcript NM_001009944.3 (MANE Select); coding-DNA position 10066, one base deleted (A; older notation c.10066delA).
Protein change: p.Ser3356fs; shifts the reading frame from serine 3356.
Molecular consequence: frameshift variant.
Genome position (GRCh38, 1-based): chr16:2,097,969, T deleted on the plus strand (A on the coding strand, the reverse complement: PKD1 is on the minus strand). VCF-style (leftmost placement, unchanged base first): chr16-2097968-CT-C. GRCh37 (hg19) VCF-style: chr16-2147969-CT-C.
Other names: c.10066del, p.Ser3356fs (NM_000296.4); c.10066delA (NM_001009944.3); short protein forms S3356fs.
Identifiers: ClinVar variation 3896521 (VCV003896521.2).